The following is an entry in ClinVar:

ClinVar aggregate classification (germline): Conflicting classifications of pathogenicity. Review status: criteria provided, conflicting classifications (1 of 4 stars). 5 submissions from 3 submitters: Uncertain significance (2); Benign (2); Likely benign (1). Last evaluated 2021-05-13.

Conditions:
Maturity-onset diabetes of the young type 13. Also called: MODY, TYPE 13. Identifiers: Orphanet 552, MedGen C4225365, MONDO:0014589, OMIM 616329.
Maturity-onset diabetes of the young (MODY). Also called: Maturity onset diabetes mellitus in young. Identifiers: Orphanet 552, MedGen C0342276, MONDO:0018911, HP:0004904.
Diabetes mellitus, transient neonatal, 3 (TNDM3). Identifiers: Orphanet 99886, MedGen C1864623, MONDO:0012522, OMIM 610582. Disease mechanism: loss of function.
Hyperinsulinemic hypoglycemia, familial, 2. Also called: HYPERINSULINEMIC HYPOGLYCEMIA, PERSISTENT; HYPERINSULINISM, NEONATAL. Identifiers: Orphanet 276580, Orphanet 276603, MedGen C2931833, MONDO:0011153, OMIM 601820. Disease mechanism: loss of function.

Allele frequency attached by ClinVar (database versions not stated): gnomAD exomes 0.00141; 1000 Genomes Project 30x 0.00828; 1000 Genomes Project 0.00899; gnomAD 0.01084 and 0.01164; TOPMed 0.01205.

Submissions (5):

GeneDx
Classification: Likely benign. Last evaluated: 2021-05-13. Review status: criteria provided, single submitter. Criteria: GeneDx Variant Classification Process June 2021. Collection method: clinical testing. Allele origin: germline. Affected: yes.

Illumina Laboratory Services, Illumina
Classification: Uncertain significance for Hyperinsulinemic hypoglycemia, familial, 2. Last evaluated: 2018-01-12. Review status: criteria provided, single submitter. Criteria: ICSL Variant Classification Criteria 13 December 2019. Collection method: clinical testing. Allele origin: germline.

Illumina Laboratory Services, Illumina
Classification: Benign for Maturity-onset diabetes of the young type 13. Last evaluated: 2018-01-12. Review status: criteria provided, single submitter. Criteria: ICSL Variant Classification Criteria 13 December 2019. Collection method: clinical testing. Allele origin: germline.
Comment: This variant was observed in the ICSL laboratory as part of a predisposition screen in an ostensibly healthy population. It had not been previously curated by ICSL or reported in the Human Gene Mutation Database (HGMD: prior to June 1st, 2018), and was therefore a candidate for classification through an automated scoring system. Utilizing variant allele frequency, disease prevalence and penetrance estimates, and inheritance mode, an automated score was calculated to assess if this variant is too frequent to cause the disease. Based on the score and internal cut-off values, a variant classified as benign is not then subjected to further curation. The score for this variant resulted in a classification of benign for this disease.

Illumina Laboratory Services, Illumina
Classification: Benign for Diabetes mellitus, transient neonatal, 3. Last evaluated: 2018-01-12. Review status: criteria provided, single submitter. Criteria: ICSL Variant Classification Criteria 13 December 2019. Collection method: clinical testing. Allele origin: germline.
Comment: the same text as in the submission from Illumina Laboratory Services, Illumina above.

Clinical Genomics, Uppaluri K&H Personalized Medicine Clinic
Classification: Uncertain significance for Maturity-onset diabetes of the young. Review status: criteria provided, single submitter. Criteria: K & H Uppaluri Personalized Medicine Clinic Variant Classification & Assertion Criteria_Updated V.1. Collection method: research. Allele origin: somatic. Inheritance: Autosomal dominant inheritance.
Comment: Mutations in KCNJ11 gene can cause decreased production and secretion of insulin. This can lead to MODY which may be responsive to oral sulfonylureas. It is also associated with Neonatal Diabetes. However, no sufficient evidence is found to ascertain the role of this particular variant (rs5208) in MODY yet.

Literature cited by the submitters: PubMed 18767144 (cited by Clinical Genomics, Uppaluri K&H Personalized Medicine Clinic); PubMed 26448950 (cited by Clinical Genomics, Uppaluri K&H Personalized Medicine Clinic); PubMed 15580558 (cited by Clinical Genomics, Uppaluri K&H Personalized Medicine Clinic); PubMed 15718250 (cited by Clinical Genomics, Uppaluri K&H Personalized Medicine Clinic); PubMed 32935446 (cited by Clinical Genomics, Uppaluri K&H Personalized Medicine Clinic); PubMed 22701567 (cited by Clinical Genomics, Uppaluri K&H Personalized Medicine Clinic).

NM_000525.4(KCNJ11):c.*376C>T

Gene: KCNJ11 (potassium inwardly rectifying channel subfamily J member 11; minus strand). Cytogenetic location: 11p15.1.
Variant type: single nucleotide variant.
Coding change: c.*376C>T on transcript NM_000525.4 (MANE Select); 376 bases downstream of the stop codon, C replaced by T.
Molecular consequence: 3 prime UTR variant.
Genome position (GRCh38, 1-based): chr11:17,386,543, G>A on the plus strand (C>T on the coding strand, the complement: KCNJ11 is on the minus strand). VCF-style: chr11-17386543-G-A. GRCh37 (hg19) VCF-style: chr11-17408090-G-A.
Other names: c.*376C>T (NM_001166290.2, NM_001377296.1, NM_001377297.1).
Identifiers: ClinVar variation 303723 (VCV000303723.7), dbSNP rs5208, ClinGen allele CA10634186.